The following is an entry in ClinVar:

ClinVar aggregate classification (germline): Likely benign (0 of 4 stars; one submission).

Conditions:
CERS1-related disorder. Also called: CERS1-related condition.

Allele frequency attached by ClinVar (database versions not stated): TOPMed below 0.00001; gnomAD 0.00001; gnomAD exomes 0.00001.
gnomAD v4.1: 14 of 1,551,774 alleles (0.0009%); highest among the groups gnomAD compares: Non-Finnish European, 0.0011%; no homozygotes.

Submission:

PreventionGenetics, part of Exact Sciences
Classification: Likely benign for CERS1-related condition. Last evaluated: 2019-07-23. Review status: no assertion criteria provided. Collection method: clinical testing. Allele origin: germline.
Comment: This variant is classified as likely benign based on ACMG/AMP sequence variant interpretation guidelines (Richards et al. 2015 PMID: 25741868, with internal and published modifications).

NM_021267.5(CERS1):c.729C>T (p.Gly243=)

Genes: CERS1 (ceramide synthase 1; minus strand), GDF1 (growth differentiation factor 1; minus strand). Cytogenetic location: 19p13.11.
Variant type: single nucleotide variant.
Coding change: c.729C>T on transcript NM_021267.5 (MANE Select); coding-DNA position 729, C replaced by T.
Protein change: p.Gly243=; no amino-acid change (glycine 243 retained).
Molecular consequence: synonymous variant. On other transcripts: 5 prime UTR variant (1), intron variant (1).
Genome position (GRCh38, 1-based): chr19:18,880,297, G>A on the plus strand (C>T on the coding strand, the complement: CERS1 is on the minus strand). VCF-style: chr19-18880297-G-A. GRCh37 (hg19) VCF-style: chr19-18991106-G-A.
Other names: c.435C>T, p.Gly145= (NM_001290265.2, NM_001387442.1, NM_001387443.1 and 2 more transcripts); c.729C>T, p.Gly243= (NM_001387439.1, NM_001387440.1, NM_198207.3); c.684C>T, p.Gly228= (NM_001387441.1); c.-594C>T (NM_001492.6); c.-313+3790C>T (NM_001387438.1).
Identifiers: ClinVar variation 3049686 (VCV003049686.2), dbSNP rs749902200, ClinGen allele CA306245162.